The following is an entry in ClinVar:

ClinVar aggregate classification (germline): Likely benign. Review status: criteria provided, multiple submitters, no conflicts (2 of 4 stars). 3 submissions from 3 submitters: Likely benign (3). Last evaluated 2024-11-27.

Conditions:
Aicardi-Goutieres syndrome 3. Identifiers: Orphanet 51, MedGen C1835916, MONDO:0012471, OMIM 610329.

Allele frequency attached by ClinVar (database versions not stated): 1000 Genomes Project 0.00080; 1000 Genomes Project 30x 0.00094; ESP Exome Variant Server 0.00123; gnomAD 0.00130 and 0.00133; gnomAD exomes 0.00134 and 0.00236; TOPMed 0.00177; ExAC 0.00203.
gnomAD v4.1: 2,259 of 1,614,126 alleles (0.14%); highest among the groups gnomAD compares: Middle Eastern, 2.6%; 16 homozygotes.

Submissions (3):

Blueprint Genetics
Classification: Likely benign. Last evaluated: 2024-11-27. Review status: criteria provided, single submitter. Criteria: ACMG Guidelines, 2015. Collection method: clinical testing. Allele origin: germline.

Illumina Laboratory Services, Illumina
Classification: Likely benign for Aicardi-Goutieres syndrome 3. Last evaluated: 2018-01-13. Review status: criteria provided, single submitter. Criteria: ICSL Variant Classification Criteria 13 December 2019. Collection method: clinical testing. Allele origin: germline.
Comment: This variant was observed in the ICSL laboratory as part of a predisposition screen in an ostensibly healthy population. It had not been previously curated by ICSL or reported in the Human Gene Mutation Database (HGMD: prior to June 1st, 2018), and was therefore a candidate for classification through an automated scoring system. Utilizing variant allele frequency, disease prevalence and penetrance estimates, and inheritance mode, an automated score was calculated to assess if this variant is too frequent to cause the disease. Based on the score and internal cut-off values, a variant classified as likely benign is not then subjected to further curation. The score for this variant resulted in a classification of likely benign for this disease.

Breakthrough Genomics
Classification: Likely benign. Review status: criteria provided, single submitter. Criteria: ACMG Guidelines, 2015. Collection method: not provided. Allele origin: germline. Inheritance: Autosomal recessive inheritance. Affected: yes.

NM_032193.4(RNASEH2C):c.*1017G>A

Genes: KAT5 (lysine acetyltransferase 5; plus strand), RNASEH2C (ribonuclease H2 subunit C; minus strand). Cytogenetic location: 11q13.1.
Variant type: single nucleotide variant.
Coding change: c.*1017G>A on transcript NM_032193.4 (MANE Select); 1017 bases downstream of the stop codon, G replaced by A.
Molecular consequence: 3 prime UTR variant. On other transcripts: intron variant (4).
Genome position (GRCh38, 1-based): chr11:65,718,766, C>T on the plus strand (G>A on the coding strand, the complement: RNASEH2C is on the minus strand). VCF-style: chr11-65718766-C-T. GRCh37 (hg19) VCF-style: chr11-65486237-C-T.
Other names: c.1424+17C>T (NM_182710.3); c.1268+17C>T (NM_001206833.2); c.1325+17C>T (NM_006388.4); c.1169+17C>T (NM_182709.3).
Identifiers: ClinVar variation 305338 (VCV000305338.7), dbSNP rs4645938, ClinGen allele CA6107525.